The following is an entry in ClinVar:

ClinVar aggregate classification (germline): Benign/Likely benign. Review status: criteria provided, multiple submitters, no conflicts (2 of 4 stars). 3 submissions from 3 submitters: Benign (1); Likely benign (2). Last evaluated 2025-12-14.

Conditions:
Inborn genetic diseases. Identifiers: MedGen C0950123, MeSH D030342.
Developmental and epileptic encephalopathy, 30 (DEE30). Also called: Epileptic encephalopathy, early infantile, 30. Identifiers: MedGen C4225360, MONDO:0014595, OMIM 616341.

Submissions (3):

Labcorp Genetics (formerly Invitae), Labcorp
Classification: Likely benign for Developmental and epileptic encephalopathy, 30. Last evaluated: 2025-12-14. Review status: criteria provided, single submitter. Criteria: Invitae Variant Classification Sherloc (09022015). Collection method: clinical testing. Allele origin: germline.

CeGaT Center for Human Genetics Tuebingen
Classification: Likely benign. Last evaluated: 2025-10-01. Review status: criteria provided, single submitter. Criteria: CeGaT Center For Human Genetics Tuebingen Variant Classification Criteria Version 2. Collection method: clinical testing. Allele origin: germline. Affected: yes. Observed: 1 variant allele.
Comment: SIK1: BP4

Ambry Genetics
Classification: Benign for Inborn genetic diseases. Last evaluated: 2018-09-26. Review status: criteria provided, single submitter. Criteria: Ambry Variant Classification Scheme 2023. Collection method: clinical testing. Allele origin: germline.

NM_173354.5(SIK1):c.871G>A (p.Ala291Thr)

Gene: SIK1 (salt inducible kinase 1; minus strand). Cytogenetic location: 21q22.3.
Variant type: single nucleotide variant.
Coding change: c.871G>A on transcript NM_173354.5 (MANE Select); coding-DNA position 871, G replaced by A.
Protein change: p.Ala291Thr; replaces alanine 291 with threonine.
Molecular consequence: missense variant.
Genome position (GRCh38, 1-based): chr21:43,420,335, C>T on the plus strand (G>A on the coding strand, the complement: SIK1 is on the minus strand). VCF-style: chr21-43420335-C-T. GRCh37 (hg19) VCF-style: chr21-44840215-C-T.
Other names: short protein forms A291T.
Identifiers: ClinVar variation 786810 (VCV000786810.19), dbSNP rs201889040, ClinGen allele CA321326798.